The following is an entry in ClinVar:

NM_016097.5(IER3IP1):c.34G>C (p.Ala12Pro)

Gene: IER3IP1 (immediate early response 3 interacting protein 1; minus strand). Cytogenetic location: 18q21.1.
Variant type: single nucleotide variant.
Coding change: c.34G>C on transcript NM_016097.5 (MANE Select); coding-DNA position 34, G replaced by C.
Protein change: p.Ala12Pro; replaces alanine 12 with proline.
Molecular consequence: missense variant.
Genome position (GRCh38, 1-based): chr18:47,176,244, C>G on the plus strand (G>C on the coding strand, the complement: IER3IP1 is on the minus strand). VCF-style: chr18-47176244-C-G. GRCh37 (hg19) VCF-style: chr18-44702615-C-G.
Other names: short protein forms A12P.
Identifiers: ClinVar variation 2165807 (VCV002165807.4), dbSNP rs974399795, ClinGen allele CA402493060.

ClinVar aggregate classification (germline): Uncertain significance (1 of 4 stars; one submission).

Conditions:
Microcephaly, epilepsy, and diabetes syndrome. Identifiers: Orphanet 306558, MedGen C3280240, MONDO:0100328.

Submission:

Labcorp Genetics (formerly Invitae), Labcorp
Classification: Uncertain significance for Microcephaly, epilepsy, and diabetes syndrome. Last evaluated: 2022-07-30. Review status: criteria provided, single submitter. Criteria: Invitae Variant Classification Sherloc (09022015). Collection method: clinical testing. Allele origin: germline.
Comment: This sequence change replaces alanine, which is neutral and non-polar, with proline, which is neutral and non-polar, at codon 12 of the IER3IP1 protein (p.Ala12Pro). This variant is not present in population databases (gnomAD no frequency). This variant has not been reported in the literature in individuals affected with IER3IP1-related conditions. Algorithms developed to predict the effect of missense changes on protein structure and function are either unavailable or do not agree on the potential impact of this missense change (SIFT: "Tolerated"; PolyPhen-2: "Possibly Damaging"; Align-GVGD: "Class C0"). In summary, the available evidence is currently insufficient to determine the role of this variant in disease. Therefore, it has been classified as a Variant of Uncertain Significance.